The following is an entry in ClinVar:

ClinVar aggregate classification (germline): Uncertain significance. Review status: criteria provided, multiple submitters, no conflicts (2 of 4 stars). 2 submissions from 2 submitters: Uncertain significance (2). Last evaluated 2023-10-27.

Conditions:
POLD1-related polyposis and colorectal cancer syndrome (CRCS10). Also called: Colorectal cancer 10; COLORECTAL CANCER, SUSCEPTIBILITY TO, ON CHROMOSOME 19q; Colorectal cancer, susceptibility to, 10. Identifiers: Orphanet 220460, MedGen C2675481, MONDO:0012953, OMIM 612591.

Submissions (3):

GeneDx
Classification: Uncertain significance. Last evaluated: 2023-10-27. Review status: criteria provided, single submitter. Criteria: GeneDx Variant Classification Process June 2021. Collection method: clinical testing. Allele origin: germline. Affected: yes.
Comment: Not observed at significant frequency in large population cohorts (gnomAD); In silico analysis supports a deleterious effect on splicing; Has not been previously published as pathogenic or benign to our knowledge

Labcorp Genetics (formerly Invitae), Labcorp
Classification: Uncertain significance for POLD1-related polyposis and colorectal cancer syndrome. Last evaluated: 2022-01-12. Review status: criteria provided, single submitter. Criteria: Invitae Variant Classification Sherloc (09022015). Collection method: clinical testing. Allele origin: germline.
Comment: In summary, the available evidence is currently insufficient to determine the role of this variant in disease. Therefore, it has been classified as a Variant of Uncertain Significance. Variants that disrupt the consensus splice site are a relatively common cause of aberrant splicing (PMID: 17576681, 9536098). Algorithms developed to predict the effect of sequence changes on RNA splicing suggest that this variant may disrupt the consensus splice site. This variant has not been reported in the literature in individuals affected with POLD1-related conditions. This variant is not present in population databases (gnomAD no frequency). This sequence change falls in intron 5 of the POLD1 gene. It does not directly change the encoded amino acid sequence of the POLD1 protein. It affects a nucleotide within the consensus splice site.

Dr. Peter K. Rogan Lab, Western University
No classification provided (evidence only). Condition: Familial cancer of breast. Review status: no classification provided. Collection method: in vitro. Allele origin: not applicable. Functional consequence: skipped exon, retained intron. Not counted in ClinVar's aggregate classification.

Literature cited by the submitters: PubMed 17576681 (cited by Labcorp Genetics (formerly Invitae), Labcorp); PubMed 9536098 (cited by Labcorp Genetics (formerly Invitae), Labcorp).

NM_002691.4(POLD1):c.589+5G>A

Gene: POLD1 (DNA polymerase delta 1, catalytic subunit; plus strand). Cytogenetic location: 19q13.33.
Variant type: single nucleotide variant.
Coding change: c.589+5G>A on transcript NM_002691.4 (MANE Select); 5 bases into the intron after coding-DNA position 589, G replaced by A.
Molecular consequence: intron variant.
Genome position (GRCh38, 1-based): chr19:50,402,129, G>A. VCF-style: chr19-50402129-G-A. GRCh37 (hg19) VCF-style: chr19-50905386-G-A.
Other names: c.589+5G>A (NM_001256849.1, NM_001308632.1).
Identifiers: ClinVar variation 1975724 (VCV001975724.7), dbSNP rs2122241005, ClinGen allele CA2580097652.